The following is an entry in ClinVar:

NM_000077.5(CDKN2A):c.80A>C (p.Glu27Ala)

Gene: CDKN2A (cyclin dependent kinase inhibitor 2A; minus strand). Cytogenetic location: 9p21.3.
Variant type: single nucleotide variant.
Coding change: c.80A>C on transcript NM_000077.5; coding-DNA position 80, A replaced by C.
Protein change: p.Glu27Ala; replaces glutamic acid 27 with alanine.
Molecular consequence: missense variant (on NM_000077.6). On other transcripts: intron variant (2).
Genome position (GRCh38, 1-based): chr9:21,974,748, T>G on the plus strand (A>C on the coding strand, the complement: CDKN2A is on the minus strand). VCF-style: chr9-21974748-T-G. GRCh37 (hg19) VCF-style: chr9-21974747-T-G.
Other names: c.80A>C, p.Glu27Ala (NM_000077.6, NM_001195132.2, NM_058197.5); c.-3-3540A>C (NM_001363763.2); c.194-3540A>C (NM_058195.4); short protein forms E27A.
Identifiers: ClinVar variation 628014 (VCV000628014.6), dbSNP rs1554656403, ClinGen allele CA373086598.

ClinVar aggregate classification (germline): Uncertain significance. Review status: criteria provided, multiple submitters, no conflicts (2 of 4 stars). 3 submissions from 3 submitters: Uncertain significance (3). Last evaluated 2025-06-11.

Conditions:
Hereditary cancer-predisposing syndrome. Also called: Tumor predisposition; Neoplastic Syndromes, Hereditary; Hereditary Cancer Syndrome; Hereditary neoplastic syndrome. Identifiers: Orphanet 140162, MedGen C0027672, MeSH D009386, MONDO:0015356.

Allele frequency attached by ClinVar (database versions not stated): gnomAD exomes below 0.00001.
gnomAD v4.1: 1 of 1,611,264 alleles (0.000062%); highest among the groups gnomAD compares: Non-Finnish European, 0.000085%; no homozygotes.

Submissions (3):

Ambry Genetics
Classification: Uncertain significance for Hereditary cancer-predisposing syndrome. Last evaluated: 2025-06-11. Review status: criteria provided, single submitter. Criteria: Ambry Variant Classification Scheme 2023. Collection method: clinical testing. Allele origin: germline.
Comment: The p.E27A variant (also known as c.80A>C), located in coding exon 1 of the CDKN2A gene, results from an A to C substitution at nucleotide position 80. The glutamic acid at codon 27 is replaced by alanine, an amino acid with dissimilar properties. This amino acid position is not well conserved in available vertebrate species. In addition, this alteration is predicted to be tolerated by in silico analysis. Based on the available evidence, the clinical significance of this variant remains unclear.

Institute for Clinical Genetics, University Hospital TU Dresden, University Hospital TU Dresden
Classification: Uncertain significance. Last evaluated: 2021-11-03. Review status: criteria provided, single submitter. Criteria: ACMG Guidelines, 2015. Collection method: clinical testing. Allele origin: germline.

Color Diagnostics, LLC DBA Color Health
Classification: Uncertain significance for Hereditary cancer-predisposing syndrome. Last evaluated: 2018-09-30. Review status: criteria provided, single submitter. Criteria: ACMG Guidelines, 2015. Collection method: clinical testing. Allele origin: germline.